The following is an entry in ClinVar:

ClinVar aggregate classification (germline): Uncertain significance. Review status: criteria provided, multiple submitters, no conflicts (2 of 4 stars). 2 submissions from 2 submitters: Uncertain significance (2). Last evaluated 2025-04-12.

Conditions:
Inborn genetic diseases. Identifiers: MedGen C0950123, MeSH D030342.

Submissions (2):

Ambry Genetics
Classification: Uncertain significance for Inborn genetic diseases. Last evaluated: 2025-04-12. Review status: criteria provided, single submitter. Criteria: Ambry Variant Classification Scheme 2023. Collection method: clinical testing. Allele origin: germline.

Labcorp Genetics (formerly Invitae), Labcorp
Classification: Uncertain significance for Combined immunodeficiency due to DOCK8 deficiency. Last evaluated: 2024-12-14. Review status: criteria provided, single submitter. Criteria: Invitae Variant Classification Sherloc (09022015). Collection method: clinical testing. Allele origin: germline.
Comment: This sequence change replaces leucine, which is neutral and non-polar, with valine, which is neutral and non-polar, at codon 1229 of the DOCK8 protein (p.Leu1229Val). This variant is not present in population databases (gnomAD no frequency). This variant has not been reported in the literature in individuals affected with DOCK8-related conditions. Invitae Evidence Modeling of protein sequence and biophysical properties (such as structural, functional, and spatial information, amino acid conservation, physicochemical variation, residue mobility, and thermodynamic stability) indicates that this missense variant is expected to disrupt DOCK8 protein function with a positive predictive value of 80%. Algorithms developed to predict the effect of sequence changes on RNA splicing suggest that this variant may create or strengthen a splice site. In summary, the available evidence is currently insufficient to determine the role of this variant in disease. Therefore, it has been classified as a Variant of Uncertain Significance.

NM_203447.4(DOCK8):c.3685C>G (p.Leu1229Val)

Gene: DOCK8 (dedicator of cytokinesis 8; plus strand). Cytogenetic location: 9p24.3.
Variant type: single nucleotide variant.
Coding change: c.3685C>G on transcript NM_203447.4 (MANE Select); coding-DNA position 3685, C replaced by G.
Protein change: p.Leu1229Val; replaces leucine 1229 with valine.
Molecular consequence: missense variant.
Genome position (GRCh38, 1-based): chr9:414,936, C>G. VCF-style: chr9-414936-C-G. GRCh37 (hg19) VCF-style: chr9-414936-C-G.
Other names: c.3385C>G, p.Leu1129Val (NM_001190458.2); c.3481C>G, p.Leu1161Val (NM_001193536.2); short protein forms L1129V, L1161V, L1229V.
Identifiers: ClinVar variation 3612084 (VCV003612084.2).